The following is an entry in ClinVar:

ClinVar aggregate classification (germline): Uncertain significance (1 of 4 stars; one submission).

Conditions:
T-cell immunodeficiency, congenital alopecia, and nail dystrophy. Also called: Congenital alopecia and nail dystrophy associated with severe functional T-cell immunodeficiency; Pignata Guarino syndrome. Identifiers: Orphanet 169095, MedGen C1866426, MONDO:0011132, OMIM 601705.

Allele frequency attached by ClinVar (database versions not stated): gnomAD exomes below 0.00001 and 0.00001; ExAC 0.00001; gnomAD 0.00001; TOPMed 0.00002.
gnomAD v4.1: 9 of 1,613,600 alleles (0.00056%); highest among the groups gnomAD compares: African/African-American, 0.0013%; no homozygotes.

Submission:

Labcorp Genetics (formerly Invitae), Labcorp
Classification: Uncertain significance for T-cell immunodeficiency, congenital alopecia, and nail dystrophy. Last evaluated: 2024-07-01. Review status: criteria provided, single submitter. Criteria: Invitae Variant Classification Sherloc (09022015). Collection method: clinical testing. Allele origin: germline.
Comment: This sequence change replaces glycine, which is neutral and non-polar, with glutamic acid, which is acidic and polar, at codon 543 of the FOXN1 protein (p.Gly543Glu). This variant is present in population databases (rs752558563, gnomAD 0.004%). This variant has not been reported in the literature in individuals affected with FOXN1-related conditions. ClinVar contains an entry for this variant (Variation ID: 1517581). An algorithm developed to predict the effect of missense changes on protein structure and function (PolyPhen-2) suggests that this variant is likely to be disruptive. Experimental studies have shown that this missense change does not substantially affect FOXN1 function (PMID: 37419334). In summary, the available evidence is currently insufficient to determine the role of this variant in disease. Therefore, it has been classified as a Variant of Uncertain Significance.

Literature cited by the submitters: PubMed 37419334.

NM_001369369.1(FOXN1):c.1628G>A (p.Gly543Glu)

Gene: FOXN1 (forkhead box N1; plus strand). Cytogenetic location: 17q11.2.
Variant type: single nucleotide variant.
Coding change: c.1628G>A on transcript NM_001369369.1 (MANE Select); coding-DNA position 1628, G replaced by A.
Protein change: p.Gly543Glu; replaces glycine 543 with glutamic acid.
Molecular consequence: missense variant.
Genome position (GRCh38, 1-based): chr17:28,537,117, G>A. VCF-style: chr17-28537117-G-A. GRCh37 (hg19) VCF-style: chr17-26864135-G-A.
Other names: c.1628G>A, p.Gly543Glu (NM_003593.3); short protein forms G543E.
Identifiers: ClinVar variation 1517581 (VCV001517581.8), dbSNP rs752558563, ClinGen allele CA8459588.